The following is an entry in ClinVar:

ClinVar aggregate classification (germline): Conflicting classifications of pathogenicity. Review status: criteria provided, conflicting classifications (1 of 4 stars). 2 submissions from 2 submitters: Likely pathogenic (1); Uncertain significance (1). Last evaluated 2025-03-16.

Conditions:
Renal carnitine transport defect (CDSP). Also called: CARNITINE DEFICIENCY, SYSTEMIC, DUE TO DEFECT IN RENAL REABSORPTION OF CARNITINE; CARNITINE TRANSPORTER, PLASMA-MEMBRANE, DEFICIENCY OF; CARNITINE UPTAKE DEFECT; Carnitine transporter deficiency; Carnitine Deficiency, Systemic; Systemic primary carnitine deficiency. Identifiers: Orphanet 158, MedGen C0342788, MONDO:0008919, OMIM 212140.

Allele frequency attached by ClinVar (database versions not stated): gnomAD 0.00001; gnomAD exomes 0.00001 and 0.00004; TOPMed 0.00001.

Submissions (2):

Labcorp Genetics (formerly Invitae), Labcorp
Classification: Likely pathogenic for Renal carnitine transport defect. Last evaluated: 2025-03-16. Review status: criteria provided, single submitter. Criteria: Invitae Variant Classification Sherloc (09022015). Collection method: clinical testing. Allele origin: germline.
Comment: This sequence change replaces tryptophan, which is neutral and slightly polar, with cysteine, which is neutral and slightly polar, at codon 14 of the SLC22A5 protein (p.Trp14Cys). This variant is present in population databases (no rsID available, gnomAD 0.002%). This variant has not been reported in the literature in individuals affected with SLC22A5-related conditions. ClinVar contains an entry for this variant (Variation ID: 1439444). Invitae Evidence Modeling of protein sequence and biophysical properties (such as structural, functional, and spatial information, amino acid conservation, physicochemical variation, residue mobility, and thermodynamic stability) indicates that this missense variant is expected to disrupt SLC22A5 protein function with a positive predictive value of 95%. This variant disrupts the p.Trp14 amino acid residue in SLC22A5. Other variant(s) that disrupt this residue have been determined to be pathogenic (PMID: 32371215). This suggests that this residue is clinically significant, and that variants that disrupt this residue are likely to be disease-causing. In summary, the currently available evidence indicates that the variant is pathogenic, but additional data are needed to prove that conclusively. Therefore, this variant has been classified as Likely Pathogenic.

Fulgent Genetics
Classification: Uncertain significance for Renal carnitine transport defect. Last evaluated: 2022-04-20. Review status: criteria provided, single submitter. Criteria: ACMG Guidelines, 2015. Collection method: clinical testing. Allele origin: unknown.

Literature cited by the submitters: PubMed 32371215 (cited by Labcorp Genetics (formerly Invitae), Labcorp).

NM_003060.4(SLC22A5):c.42G>C (p.Trp14Cys)

Gene: SLC22A5 (solute carrier family 22 member 5; plus strand). Cytogenetic location: 5q31.1.
Variant type: single nucleotide variant.
Coding change: c.42G>C on transcript NM_003060.4 (MANE Select); coding-DNA position 42, G replaced by C.
Protein change: p.Trp14Cys; replaces tryptophan 14 with cysteine.
Molecular consequence: missense variant.
Genome position (GRCh38, 1-based): chr5:132,370,014, G>C. VCF-style: chr5-132370014-G-C. GRCh37 (hg19) VCF-style: chr5-131705706-G-C.
Other names: c.42G>C, p.Trp14Cys (NM_001308122.2); short protein forms W14C.
Identifiers: ClinVar variation 1439444 (VCV001439444.8), dbSNP rs796052036, ClinGen allele CA360802261.